The following is an entry in ClinVar:

ClinVar aggregate classification (germline): Uncertain significance (1 of 4 stars; one submission).

Conditions:
Arginase deficiency. Also called: ARGININEMIA; ARG1 DEFICIENCY; Arginase 1 Deficiency. Identifiers: Orphanet 90, MedGen C0268548, MONDO:0008814, OMIM 207800.

Submission:

Labcorp Genetics (formerly Invitae), Labcorp
Classification: Uncertain significance for Arginase deficiency. Last evaluated: 2017-08-25. Review status: criteria provided, single submitter. Criteria: Invitae Variant Classification Sherloc (09022015). Collection method: clinical testing. Allele origin: germline.
Comment: This sequence change replaces asparagine with lysine at codon 69 of the ARG1 protein (p.Asn69Lys). The asparagine residue is highly conserved and there is a moderate physicochemical difference between asparagine and lysine. This variant is not present in population databases (ExAC no frequency). This variant has not been reported in the literature in individuals with ARG1-related disease. Algorithms developed to predict the effect of missense changes on protein structure and function do not agree on the potential impact of this missense change (SIFT: "Tolerated"; PolyPhen-2: "Possibly Damaging"; Align-GVGD: "Class C0"). In summary, the available evidence is currently insufficient to determine the role of this variant in disease. Therefore, it has been classified as a Variant of Uncertain Significance.

NM_000045.4(ARG1):c.207T>G (p.Asn69Lys)

Genes: ARG1 (arginase 1; plus strand), MED23 (mediator complex subunit 23; minus strand). Cytogenetic location: 6q23.2.
Variant type: single nucleotide variant.
Coding change: c.207T>G on transcript NM_000045.4 (MANE Select); coding-DNA position 207, T replaced by G.
Protein change: p.Asn69Lys; replaces asparagine 69 with lysine.
Molecular consequence: missense variant. On other transcripts: non-coding transcript variant (1), intron variant (2).
Genome position (GRCh38, 1-based): chr6:131,579,187, T>G. VCF-style: chr6-131579187-T-G. GRCh37 (hg19) VCF-style: chr6-131900327-T-G.
Other names: c.231T>G, p.Asn77Lys (NM_001244438.2); c.207T>G, p.Asn69Lys (NM_001369020.1); c.4078-4892A>C (NM_001270521.2); c.4096-4892A>C (NM_015979.4); short protein forms N69K, N77K.
Identifiers: ClinVar variation 529431 (VCV000529431.3), dbSNP rs1554250510, ClinGen allele CA365650527.